The following is an entry in ClinVar:

ClinVar aggregate classification (germline): Uncertain significance. Review status: criteria provided, multiple submitters, no conflicts (2 of 4 stars). 4 submissions from 4 submitters: Uncertain significance (4). Last evaluated 2024-12-04.

Conditions:
Paramyotonia congenita of Von Eulenburg. Also called: PARALYSIS PERIODICA PARAMYOTONICA; Paramyotonia Congenita; Eulenburg disease; Myotonia congenita intermittens; Von Eulenburg paramyotonia congenita. Identifiers: Orphanet 684, MedGen C0221055, MONDO:0008195, OMIM 168300. Disease mechanism: loss of function.
Congenital myasthenic syndrome 16. Identifiers: Orphanet 590, MedGen C3280112, MONDO:0013620, OMIM 614198.
Potassium-aggravated myotonia. Also called: MYOTONIA CONGENITA, ACETAZOLAMIDE-RESPONSIVE; MYOTONIA CONGENITA, ATYPICAL; SODIUM CHANNEL MUSCLE DISEASE; Myotonia congenita, atypical, acetazolamide-responsive. Identifiers: Orphanet 612, Orphanet 99734, Orphanet 99735, Orphanet 99736, MedGen C2931826, MONDO:0018959, OMIM 608390.
Hypokalemic periodic paralysis, type 2 (HOKPP2). Identifiers: Orphanet 681, MedGen C2750061, MONDO:0013234, OMIM 613345.
Hyperkalemic periodic paralysis. Also called: Familial hyperkalemic periodic paralysis; Gamstorp disease. Identifiers: Orphanet 682, MedGen C0238357, MONDO:0008224, OMIM 170500, HP:0007215.
Congenital myopathy 22A, classic (CMYO22A). Identifiers: MedGen C5830453, MONDO:0957247, OMIM 620351.
Congenital myopathy 22B, severe fetal (CMYO22B). Identifiers: MedGen C5830501, MONDO:0957265, OMIM 620369.
Inborn genetic diseases. Identifiers: MedGen C0950123, MeSH D030342.

Allele frequency attached by ClinVar (database versions not stated): ExAC 0.00002; ESP Exome Variant Server 0.00008; gnomAD exomes 0.00001 and 0.00002; TOPMed 0.00015.
gnomAD v4.1: 42 of 1,610,684 alleles (0.0026%); highest among the groups gnomAD compares: African/African-American, 0.055%; no homozygotes.

Submissions (4):

GeneDx
Classification: Uncertain significance. Last evaluated: 2024-12-04. Review status: criteria provided, single submitter. Criteria: GeneDx Variant Classification Process June 2021. Collection method: clinical testing. Allele origin: germline. Affected: yes.
Comment: In silico analysis indicates that this missense variant does not alter protein structure/function; Has not been previously published as pathogenic or benign to our knowledge

Labcorp Genetics (formerly Invitae), Labcorp
Classification: Uncertain significance for Hyperkalemic periodic paralysis. Last evaluated: 2024-10-09. Review status: criteria provided, single submitter. Criteria: Invitae Variant Classification Sherloc (09022015). Collection method: clinical testing. Allele origin: germline.
Comment: This sequence change replaces glutamic acid, which is acidic and polar, with aspartic acid, which is acidic and polar, at codon 934 of the SCN4A protein (p.Glu934Asp). This variant is present in population databases (rs371920760, gnomAD 0.05%). This variant has not been reported in the literature in individuals affected with SCN4A-related conditions. ClinVar contains an entry for this variant (Variation ID: 1413775). Invitae Evidence Modeling of protein sequence and biophysical properties (such as structural, functional, and spatial information, amino acid conservation, physicochemical variation, residue mobility, and thermodynamic stability) indicates that this missense variant is not expected to disrupt SCN4A protein function with a negative predictive value of 95%. In summary, the available evidence is currently insufficient to determine the role of this variant in disease. Therefore, it has been classified as a Variant of Uncertain Significance.

Ambry Genetics
Classification: Uncertain significance for Inborn genetic diseases. Last evaluated: 2024-07-02. Review status: criteria provided, single submitter. Criteria: Ambry Variant Classification Scheme 2023. Collection method: clinical testing. Allele origin: germline.

Fulgent Genetics
Classification: Uncertain significance for Paramyotonia congenita of Von Eulenburg; Hyperkalemic periodic paralysis; Potassium-aggravated myotonia; Hypokalemic periodic paralysis, type 2; Congenital myasthenic syndrome 16; Congenital myopathy 22A, classic; Congenital myopathy 22B, severe fetal. Last evaluated: 2024-04-14. Review status: criteria provided, single submitter. Criteria: ACMG Guidelines, 2015. Collection method: clinical testing. Allele origin: germline.

NM_000334.4(SCN4A):c.2802G>C (p.Glu934Asp)

Genes: GH-LCR (growth hormone locus control region; plus strand), SCN4A (sodium voltage-gated channel alpha subunit 4; minus strand). Cytogenetic location: 17q23.3.
Variant type: single nucleotide variant.
Coding change: c.2802G>C on transcript NM_000334.4 (MANE Select); coding-DNA position 2802, G replaced by C.
Protein change: p.Glu934Asp; replaces glutamic acid 934 with aspartic acid.
Molecular consequence: missense variant.
Genome position (GRCh38, 1-based): chr17:63,951,475, C>G on the plus strand (G>C on the coding strand, the complement: SCN4A is on the minus strand). VCF-style: chr17-63951475-C-G. GRCh37 (hg19) VCF-style: chr17-62028835-C-G.
Other names: short protein forms E934D.
Identifiers: ClinVar variation 1413775 (VCV001413775.9), dbSNP rs371920760, ClinGen allele CA8709497.